The following is an entry in ClinVar:

ClinVar aggregate classification (germline): Uncertain significance (1 of 4 stars; one submission).

Conditions:
Hereditary cancer-predisposing syndrome. Also called: Hereditary Cancer Syndrome; Tumor predisposition; Hereditary neoplastic syndrome; Neoplastic Syndromes, Hereditary. Identifiers: Orphanet 140162, MedGen C0027672, MeSH D009386, MONDO:0015356.

Submission:

Ambry Genetics
Classification: Uncertain significance for Hereditary cancer-predisposing syndrome. Last evaluated: 2024-09-15. Review status: criteria provided, single submitter. Criteria: Ambry Variant Classification Scheme 2023. Collection method: clinical testing. Allele origin: germline.
Comment: The p.E145Q variant (also known as c.433G>C), located in coding exon 4 of the NBN gene, results from a G to C substitution at nucleotide position 433. The glutamic acid at codon 145 is replaced by glutamine, an amino acid with highly similar properties. This amino acid position is conserved. In addition, this alteration is predicted to be tolerated by in silico analysis. Based on the available evidence, the clinical significance of this variant remains unclear.

NM_002485.5(NBN):c.433G>C (p.Glu145Gln)

Gene: NBN (nibrin; minus strand). Cytogenetic location: 8q21.3.
Variant type: single nucleotide variant.
Coding change: c.433G>C on transcript NM_002485.5 (MANE Select); coding-DNA position 433, G replaced by C.
Protein change: p.Glu145Gln; replaces glutamic acid 145 with glutamine.
Molecular consequence: missense variant.
Genome position (GRCh38, 1-based): chr8:89,980,781, C>G on the plus strand (G>C on the coding strand, the complement: NBN is on the minus strand). VCF-style: chr8-89980781-C-G. GRCh37 (hg19) VCF-style: chr8-90993009-C-G.
Other names: c.187G>C, p.Glu63Gln (NM_001024688.3); short protein forms E63Q, E145Q.
Identifiers: ClinVar variation 3403064 (VCV003403064.1).